The following is an entry in ClinVar:

NM_000465.4(BARD1):c.529C>T (p.Gln177Ter)

Gene: BARD1 (BRCA1 associated RING domain 1; minus strand). Cytogenetic location: 2q35.
Variant type: single nucleotide variant.
Coding change: c.529C>T on transcript NM_000465.4 (MANE Select); coding-DNA position 529, C replaced by T.
Protein change: p.Gln177Ter; replaces glutamine 177 with a stop codon.
Molecular consequence: nonsense. On other transcripts: non-coding transcript variant (2), intron variant (3).
Genome position (GRCh38, 1-based): chr2:214,781,345, G>A on the plus strand (C>T on the coding strand, the complement: BARD1 is on the minus strand). VCF-style: chr2-214781345-G-A. GRCh37 (hg19) VCF-style: chr2-215646069-G-A.
Other names: c.472C>T, p.Gln158Ter (NM_001282543.2); c.158+28067C>T (NM_001282548.2); c.215+15716C>T (NM_001282545.2); c.364+10952C>T (NM_001282549.2); short protein forms Q158*, Q177*.
Identifiers: ClinVar variation 2584306 (VCV002584306.5), dbSNP rs2469512226, ClinGen allele CA350457454.
Genomic context (GRCh38, chr2:214,781,345, plus strand): 5'-TTTTAGCCCTCTCAGAAACATCTGCAGGAGGACTTGGGGAAACAAATTCATATGAGTCTT[G>A]CTGAGCACTTGCATCTTTTTTTATTGCAGGCTGGGTTTGCACTGAAGCTTTACTCACAAC-3'

ClinVar aggregate classification (germline): Pathogenic. Review status: criteria provided, multiple submitters, no conflicts (2 of 4 stars). 2 submissions from 2 submitters: Pathogenic (2). Last evaluated 2025-04-27.

Conditions:
Familial cancer of breast. Also called: BREAST CANCER, FAMILIAL; hereditary breast carcinoma; Hereditary breast cancer. Identifiers: Orphanet 227535, MedGen C0346153, MONDO:0016419, OMIM 114480. Disease mechanism: loss of function.

Submissions (2):

Labcorp Genetics (formerly Invitae), Labcorp
Classification: Pathogenic for Familial cancer of breast. Last evaluated: 2025-04-27. Review status: criteria provided, single submitter. Criteria: Invitae Variant Classification Sherloc (09022015). Collection method: clinical testing. Allele origin: germline.
Comment: This sequence change creates a premature translational stop signal (p.Gln177*) in the BARD1 gene. It is expected to result in an absent or disrupted protein product. Loss-of-function variants in BARD1 are known to be pathogenic (PMID: 20077502, 21344236). This variant is not present in population databases (gnomAD no frequency). This variant has not been reported in the literature in individuals affected with BARD1-related conditions. ClinVar contains an entry for this variant (Variation ID: 2584306). For these reasons, this variant has been classified as Pathogenic.

Myriad Genetics, Inc.
Classification: Pathogenic for Familial cancer of breast. Last evaluated: 2023-05-19. Review status: criteria provided, single submitter. Criteria: Myriad Autosomal Dominant, Autosomal Recessive and X-Linked Classification Criteria (2023). Collection method: clinical testing. Allele origin: unknown.
Comment: This variant is considered pathogenic. This variant creates a termination codon and is predicted to result in premature protein truncation.

Literature cited by the submitters: PubMed 20077502 (cited by Labcorp Genetics (formerly Invitae), Labcorp); PubMed 21344236 (cited by Labcorp Genetics (formerly Invitae), Labcorp).